The following is an entry in ClinVar:

ClinVar aggregate classification (germline): Uncertain significance (1 of 4 stars; one submission).

Conditions:
Multiple endocrine neoplasia, type 2 (MEN2). Identifiers: Orphanet 653, MedGen C4048306, MONDO:0019003. Disease mechanism: gain of function.

Allele frequency attached by ClinVar (database versions not stated): ExAC 0.00001.

Submission:

Labcorp Genetics (formerly Invitae), Labcorp
Classification: Uncertain significance for Multiple endocrine neoplasia, type 2. Last evaluated: 2024-08-19. Review status: criteria provided, single submitter. Criteria: Invitae Variant Classification Sherloc (09022015). Collection method: clinical testing. Allele origin: germline.
Comment: This sequence change replaces proline, which is neutral and non-polar, with leucine, which is neutral and non-polar, at codon 992 of the RET protein (p.Pro992Leu). This variant is present in population databases (rs758191409, gnomAD 0.004%). This missense change has been observed in individual(s) with Hirschsprung disease (PMID: 21995290). ClinVar contains an entry for this variant (Variation ID: 963212). An algorithm developed to predict the effect of missense changes on protein structure and function (PolyPhen-2) suggests that this variant is likely to be disruptive. In summary, the available evidence is currently insufficient to determine the role of this variant in disease. Therefore, it has been classified as a Variant of Uncertain Significance.

Literature cited by the submitters: PubMed 21995290.

NM_020975.6(RET):c.2975C>T (p.Pro992Leu)

Gene: RET (ret proto-oncogene; plus strand). Cytogenetic location: 10q11.21.
Variant type: single nucleotide variant.
Coding change: c.2975C>T on transcript NM_020975.6 (MANE Select); coding-DNA position 2975, C replaced by T.
Protein change: p.Pro992Leu; replaces proline 992 with leucine.
Molecular consequence: missense variant.
Genome position (GRCh38, 1-based): chr10:43,124,918, C>T. VCF-style: chr10-43124918-C-T. GRCh37 (hg19) VCF-style: chr10-43620366-C-T.
Other names: c.2975C>T, p.Pro992Leu (NM_000323.2, NM_001406743.1, NM_001406744.1 and 4 more transcripts); c.2213C>T, p.Pro738Leu (NM_001355216.2); c.2846C>T, p.Pro949Leu (NM_001406761.1, NM_001406762.1, NM_001406764.1); c.2840C>T, p.Pro947Leu (NM_001406763.1, NM_001406765.1); c.2687C>T, p.Pro896Leu (NM_001406766.1, NM_001406767.1, NM_001406770.1); c.2711C>T, p.Pro904Leu (NM_001406768.1); c.2579C>T, p.Pro860Leu (NM_001406769.1, NM_001406772.1); c.2537C>T, p.Pro846Leu (NM_001406771.1, NM_001406773.1); and 10 more; short protein forms P992L, P738L, P597L, P846L, P650L, P653L, P662L, P860L.
Identifiers: ClinVar variation 963212 (VCV000963212.10), dbSNP rs758191409, ClinGen allele CA041836.